The following is an entry in ClinVar:

ClinVar aggregate classification (germline): Uncertain significance (1 of 4 stars; one submission).

Submission:

Women's Health and Genetics/Laboratory Corporation of America, LabCorp
Classification: Uncertain significance. Last evaluated: 2025-11-05. Review status: criteria provided, single submitter. Criteria: LabCorp Variant Classification Summary - May 2015. Collection method: clinical testing. Allele origin: germline.
Comment: Variant summary: The variant involves the deletion of exons 1-5 in the DGCR6 gene. A presumed nomenclature of c.(?_-56)_(*400_?)del has been designated for the purposes of this classification. This deletion includes the entire coding sequence of the gene. As the exact proximal and distal breakpoints are unknown, it may extend beyond the annotated region of the gene to include other flanking genes. Current evidence is not sufficient to establish loss of function as a mechanism for disease. The variant was absent in 21694 control chromosomes. The available data on variant occurrences in the general population are insufficient to allow any conclusion about variant significance. To our knowledge, no occurrence of c.(?_-56)_(*400_?)del in individuals affected with DGCR6-related conditions and no experimental evidence demonstrating its impact on protein function have been reported. No submitters have cited clinical-significance assessments for this variant to ClinVar. Based on the evidence outlined above, the variant was classified as uncertain significance.

NC_000022.10:g.(?_18893832)_(18899602_?)del

Gene: DGCR6 (DiGeorge syndrome critical region gene 6; plus strand). Cytogenetic location: 22q11.21.
Variant type: Deletion.
Identifiers: ClinVar variation 4537038 (VCV004537038.1).